The following is an entry in ClinVar:

ClinVar aggregate classification (germline): Uncertain significance (1 of 4 stars; one submission).

Conditions:
Neurofibromatosis, type 1 (NF1). Also called: NEUROFIBROMATOSIS, TYPE I, SOMATIC; Neurofibromatosis, type I; Peripheral type neurofibromatosis; VON RECKLINGHAUSEN DISEASE. Identifiers: Orphanet 636, MedGen C0027831, MONDO:0018975, OMIM 162200. Disease mechanism: loss of function.

Submission:

Labcorp Genetics (formerly Invitae), Labcorp
Classification: Uncertain significance for Neurofibromatosis, type 1. Last evaluated: 2022-03-27. Review status: criteria provided, single submitter. Criteria: Invitae Variant Classification Sherloc (09022015). Collection method: clinical testing. Allele origin: germline.
Comment: In summary, the available evidence is currently insufficient to determine the role of this variant in disease. Therefore, it has been classified as a Variant of Uncertain Significance. Advanced modeling of protein sequence and biophysical properties (such as structural, functional, and spatial information, amino acid conservation, physicochemical variation, residue mobility, and thermodynamic stability) performed at Invitae indicates that this missense variant is expected to disrupt NF1 protein function. This variant has not been reported in the literature in individuals affected with NF1-related conditions. This variant is not present in population databases (gnomAD no frequency). This sequence change replaces leucine, which is neutral and non-polar, with proline, which is neutral and non-polar, at codon 1772 of the NF1 protein (p.Leu1772Pro).

NM_001042492.3(NF1):c.5378T>C (p.Leu1793Pro)

Gene: NF1 (neurofibromin 1; plus strand). Cytogenetic location: 17q11.2.
Variant type: single nucleotide variant.
Coding change: c.5378T>C on transcript NM_001042492.3 (MANE Select); coding-DNA position 5378, T replaced by C.
Protein change: p.Leu1793Pro; replaces leucine 1793 with proline.
Molecular consequence: missense variant.
Genome position (GRCh38, 1-based): chr17:31,327,608, T>C. VCF-style: chr17-31327608-T-C. GRCh37 (hg19) VCF-style: chr17-29654626-T-C.
Other names: c.5315T>C, p.Leu1772Pro (NM_000267.4); short protein forms L1772P, L1793P.
Identifiers: ClinVar variation 2118275 (VCV002118275.4), dbSNP rs980556344, ClinGen allele CA399009306.